The following is an entry in ClinVar:

NM_002769.5(PRSS1):c.407G>T (p.Gly136Val)

Genes: PRSS1 (serine protease 1; plus strand), TRB (T cell receptor beta locus; plus strand). Cytogenetic location: 7q34.
Variant type: single nucleotide variant.
Coding change: c.407G>T on transcript NM_002769.5 (MANE Select); coding-DNA position 407, G replaced by T.
Protein change: p.Gly136Val; replaces glycine 136 with valine.
Molecular consequence: missense variant. On other transcripts: non-coding transcript variant (5).
Genome position (GRCh38, 1-based): chr7:142,751,980, G>T. VCF-style: chr7-142751980-G-T. GRCh37 (hg19) VCF-style: chr7-142459831-G-T.
Other names: short protein forms G136V.
Identifiers: ClinVar variation 2563187 (VCV002563187.2), dbSNP rs2485754611, ClinGen allele CA369609092.

ClinVar aggregate classification (germline): Uncertain significance (1 of 4 stars; one submission).

Conditions:
Hereditary pancreatitis (PCTT). Also called: Hereditary chronic pancreatitis; PRSS1-Related Hereditary Pancreatitis. Identifiers: Orphanet 676, MedGen C0238339, MONDO:0008185, OMIM 167800.

Allele frequency attached by ClinVar (database versions not stated): gnomAD exomes below 0.00001.

Submission:

Ambry Genetics
Classification: Uncertain significance for Hereditary pancreatitis. Last evaluated: 2023-03-24. Review status: criteria provided, single submitter. Criteria: Ambry Variant Classification Scheme 2023. Collection method: clinical testing. Allele origin: germline.
Comment: The p.G136V variant (also known as c.407G>T), located in coding exon 3 of the PRSS1 gene, results from a G to T substitution at nucleotide position 407. The glycine at codon 136 is replaced by valine, an amino acid with dissimilar properties. This amino acid position is conserved. In addition, this alteration is predicted to be deleterious by in silico analysis. Since supporting evidence is limited at this time, the clinical significance of this alteration remains unclear.